The following is an entry in ClinVar:

ClinVar aggregate classification (germline): Uncertain significance (1 of 4 stars; one submission).

Allele frequency attached by ClinVar (database versions not stated): ExAC 0.00008.
gnomAD v4.1: 1 of 1,553,838 alleles (0.000064%); highest among the groups gnomAD compares: South Asian, 0.0012%; no homozygotes.

Submission:

GeneDx
Classification: Uncertain significance. Last evaluated: 2022-10-08. Review status: criteria provided, single submitter. Criteria: GeneDx Variant Classification Process June 2021. Collection method: clinical testing. Allele origin: germline. Affected: yes.
Comment: Not observed at significant frequency in large population cohorts (gnomAD); In silico analysis supports that this missense variant has a deleterious effect on protein structure/function; Has not been previously published as pathogenic or benign to our knowledge

NM_021098.3(CACNA1H):c.3477G>C (p.Gln1159His)

Gene: CACNA1H (calcium voltage-gated channel subunit alpha1 H; plus strand). Cytogenetic location: 16p13.3.
Variant type: single nucleotide variant.
Coding change: c.3477G>C on transcript NM_021098.3 (MANE Select); coding-DNA position 3477, G replaced by C.
Protein change: p.Gln1159His; replaces glutamine 1159 with histidine.
Molecular consequence: missense variant.
Genome position (GRCh38, 1-based): chr16:1,209,145, G>C. VCF-style: chr16-1209145-G-C. GRCh37 (hg19) VCF-style: chr16-1259145-G-C.
Other names: c.3477G>C, p.Gln1159His (NM_001005407.2); short protein forms Q1159H.
Identifiers: ClinVar variation 2497751 (VCV002497751.1), dbSNP rs776307816, ClinGen allele CA7800776.